The following is an entry in ClinVar:

NM_003632.3(CNTNAP1):c.597C>A (p.Phe199Leu)

Gene: CNTNAP1 (contactin associated protein 1; plus strand). Cytogenetic location: 17q21.2.
Variant type: single nucleotide variant.
Coding change: c.597C>A on transcript NM_003632.3 (MANE Select); coding-DNA position 597, C replaced by A.
Protein change: p.Phe199Leu; replaces phenylalanine 199 with leucine.
Molecular consequence: missense variant.
Genome position (GRCh38, 1-based): chr17:42,685,302, C>A. VCF-style: chr17-42685302-C-A. GRCh37 (hg19) VCF-style: chr17-40837320-C-A.
Other names: short protein forms F199L.
Identifiers: ClinVar variation 1432147 (VCV001432147.7), dbSNP rs561659603, ClinGen allele CA8581569.

ClinVar aggregate classification (germline): Uncertain significance (1 of 4 stars; one submission).

Allele frequency attached by ClinVar (database versions not stated): TOPMed 0.00001.

Submission:

Labcorp Genetics (formerly Invitae), Labcorp
Classification: Uncertain significance. Last evaluated: 2021-12-03. Review status: criteria provided, single submitter. Criteria: Invitae Variant Classification Sherloc (09022015). Collection method: clinical testing. Allele origin: germline.
Comment: In summary, the available evidence is currently insufficient to determine the role of this variant in disease. Therefore, it has been classified as a Variant of Uncertain Significance. Algorithms developed to predict the effect of missense changes on protein structure and function (SIFT, PolyPhen-2, Align-GVGD) all suggest that this variant is likely to be tolerated. This variant has not been reported in the literature in individuals affected with CNTNAP1-related conditions. This variant is present in population databases (rs561659603, gnomAD 0.01%). This sequence change replaces phenylalanine, which is neutral and non-polar, with leucine, which is neutral and non-polar, at codon 199 of the CNTNAP1 protein (p.Phe199Leu).